The following is an entry in ClinVar:

NC_000023.11:g.(6499768_6517018)_(8187691_8193324)del

Genes: PNPLA4 (patatin like domain 4, phospholipase and triacylglycerol lipase; minus strand), PUDP (pseudouridine 5'-phosphatase; minus strand), MIR4767 (microRNA 4767; plus strand), MIR651 (microRNA 651; plus strand), STS (steroid sulfatase; plus strand) and 25 more. Cytogenetic location: Xp22.31.
Variant type: Deletion.
Identifiers: ClinVar variation 188047 (VCV000188047.3).

ClinVar aggregate classification (germline): Pathogenic (0 of 4 stars; one submission).

Conditions:
X-linked ichthyosis with steryl-sulfatase deficiency (XLI). Also called: PLACENTAL STEROID SULFATASE DEFICIENCY; STEROID SULFATASE DEFICIENCY; STEROID SULFATASE DEFICIENCY DISEASE; STS DEFICIENCY; Ichthyosis, X-Linked; Recessive X-linked ichthyosis. Identifiers: Orphanet 461, MedGen C0079588, MONDO:0010622, OMIM 308100.

Submission:

Human Molecular Genetics Lab, Quaid-I-Azam University
Classification: Pathogenic for X-linked ichthyosis with steryl-sulfatase deficiency. Last evaluated: 2015-01-16. Review status: no assertion criteria provided. Collection method: research. Allele origin: maternal. Inheritance: X-linked inheritance. Affected: yes. Observed: 38 variant alleles. Study: Genetic Skin Disorders Investigation in Pakistan.
Comment: The characteristic sex-linked segregation of phenotype and concomitant finding of recurrent microdeletions at Xp22.31 in this report as well as in previous findings strongly suggest the clinical significance of these microdeletions in X-linked icthyosis

Literature cited by the submitters: PubMed 18413370; PubMed 3007328; PubMed 7208152.